The following is an entry in ClinVar:

ClinVar aggregate classification (germline): Pathogenic. Review status: criteria provided, multiple submitters, no conflicts (2 of 4 stars). 2 submissions from 2 submitters: Pathogenic (2). Last evaluated 2026-04-16.

Conditions:
Hereditary cancer-predisposing syndrome. Also called: Hereditary neoplastic syndrome; Neoplastic Syndromes, Hereditary; Tumor predisposition; Hereditary Cancer Syndrome. Identifiers: Orphanet 140162, MedGen C0027672, MeSH D009386, MONDO:0015356.
Gorlin syndrome. Also called: Basal cell nevus syndrome; Nevoid Basal Cell Carcinoma Syndrome. Identifiers: Orphanet 377, MedGen C0004779, MONDO:0007187.

Submissions (2):

Ambry Genetics
Classification: Pathogenic for Hereditary cancer-predisposing syndrome. Last evaluated: 2026-04-16. Review status: criteria provided, single submitter. Criteria: Ambry Variant Classification Scheme 2023. Collection method: clinical testing. Allele origin: germline.
Comment: The c.3030delC pathogenic mutation, located in coding exon 18 of the PTCH1 gene, results from a deletion of one nucleotide at nucleotide position 3030, causing a translational frameshift with a predicted alternate stop codon (p.N1011Tfs*38). This variant was reported in individual(s) with features consistent with PTCH1-related nevoid basal cell carcinoma syndrome (Ambry internal data). This variant is considered to be rare based on population cohorts in the Genome Aggregation Database (gnomAD). This alteration is expected to result in loss of function by premature protein truncation or nonsense-mediated mRNA decay. As such, this alteration is interpreted as a disease-causing mutation.

Labcorp Genetics (formerly Invitae), Labcorp
Classification: Pathogenic for Gorlin syndrome. Last evaluated: 2018-12-31. Review status: criteria provided, single submitter. Criteria: Invitae Variant Classification Sherloc (09022015). Collection method: clinical testing. Allele origin: germline.
Comment: For these reasons, this variant has been classified as Pathogenic. Loss-of-function variants in PTCH1 are known to be pathogenic (PMID: 16301862, 16419085). This variant has been observed in an individual affected with medulloblastoma (PMID: 24651015). This variant is also known as P1010fs in the literature. This variant is not present in population databases (ExAC no frequency). This sequence change creates a premature translational stop signal (p.Asn1011Thrfs*38) in the PTCH1 gene. It is expected to result in an absent or disrupted protein product.

Literature cited by the submitters: PubMed 16301862 (cited by Labcorp Genetics (formerly Invitae), Labcorp); PubMed 16419085 (cited by Labcorp Genetics (formerly Invitae), Labcorp); PubMed 24651015 (cited by Labcorp Genetics (formerly Invitae), Labcorp).

NM_000264.5(PTCH1):c.3030del (p.Asn1011fs)

Gene: PTCH1 (patched 1; minus strand). Cytogenetic location: 9q22.32.
Variant type: Deletion.
Coding change: c.3030del on transcript NM_000264.5 (MANE Select); coding-DNA position 3030, one base deleted (C; older notation c.3030delC).
Protein change: p.Asn1011fs; shifts the reading frame from asparagine 1011.
Molecular consequence: frameshift variant. On other transcripts: non-coding transcript variant (1).
Genome position (GRCh38, 1-based): chr9:95,458,151, G deleted on the plus strand (C on the coding strand, the reverse complement: PTCH1 is on the minus strand); the first of 4 consecutive G bases (chr9:95,458,151-95,458,154); deleting any one gives the same sequence. VCF-style (leftmost placement, unchanged base first): chr9-95458150-TG-T. GRCh37 (hg19) VCF-style: chr9-98220432-TG-T.
Other names: c.3030delC (NM_000264.3); c.2832del, p.Asn945fs (NM_001083602.3); c.3027del, p.Asn1010fs (NM_001083603.3); c.2577del, p.Asn860fs (NM_001083604.3, NM_001083605.3, NM_001083606.3 and 1 more transcripts); c.2874del, p.Asn959fs (NM_001354918.2); short protein forms N1010fs, N1011fs, N860fs, N945fs, N959fs.
Identifiers: ClinVar variation 1068897 (VCV001068897.10), dbSNP rs2136661215, ClinGen allele CA2499220031.